The following is an entry in ClinVar:

ClinVar aggregate classification (germline): Likely pathogenic. Review status: criteria provided, multiple submitters, no conflicts (2 of 4 stars). 2 submissions from 2 submitters: Likely pathogenic (2). Last evaluated 2024-10-22.

Conditions:
Retinitis pigmentosa 12 (RP12). Also called: RP WITH OR WITHOUT PPRPE; RP WITH OR WITHOUT PRESERVED PARAARTERIOLE RETINAL PIGMENT EPITHELIUM; RETINITIS PIGMENTOSA WITH OR WITHOUT PARAARTERIOLAR PRESERVATION OF RETINAL PIGMENT EPITHELIUM. Identifiers: Orphanet 791, MedGen C1838647, MONDO:0010818, OMIM 600105.
Leber congenital amaurosis 8 (LCA8). Identifiers: Orphanet 65, MedGen C3151202, MONDO:0013453, OMIM 613835.
Leber congenital amaurosis (LCA). Also called: Leber's amaurosis. Identifiers: Orphanet 65, MedGen C0339527, MeSH D057130, MONDO:0018998.

Submissions (2):

Natera, Inc.
Classification: Likely pathogenic for Leber congenital amaurosis. Last evaluated: 2024-10-22. Review status: criteria provided, single submitter. Criteria: Natera Variant Classification Schema (03/2026). Collection method: clinical testing. Allele origin: germline.
Comment: The c.4209G>T variant in CRB1 is a missense variant predicted to cause substitution of glutamic acid to aspartic acid at amino acid 1403. This variant is rare in the general population with a frequency below the threshold expected for the associated phenotype(s). This variant has been observed in one or more individuals affected with the associated recessive disease, as either homozygous or compound heterozygous with a second variant (PMID: 32901921). A different variant at the same position has been determined to be Pathogenic or Likely Pathogenic. Computational prediction algorithms indicate this variant is likely to affect gene or protein function. Given the available evidence, this variant is classified as Likely Pathogenic.

Labcorp Genetics (formerly Invitae), Labcorp
Classification: Likely pathogenic for Leber congenital amaurosis 8; Retinitis pigmentosa 12. Last evaluated: 2021-10-25. Review status: criteria provided, single submitter. Criteria: Invitae Variant Classification Sherloc (09022015). Collection method: clinical testing. Allele origin: germline.
Comment: This sequence change replaces glutamic acid, which is acidic and polar, with aspartic acid, which is acidic and polar, at codon 1403 of the CRB1 protein (p.Glu1403Asp). This variant is not present in population databases (gnomAD no frequency). This missense change has been observed in individual(s) with macular dystrophy (PMID: 32901921). In at least one individual the data is consistent with the variant being in trans (on the opposite chromosome) from a pathogenic variant. Algorithms developed to predict the effect of missense changes on protein structure and function (SIFT, PolyPhen-2, Align-GVGD) all suggest that this variant is likely to be disruptive. This variant disrupts the p.Glu1403 amino acid residue in CRB1. Other variant(s) that disrupt this residue have been determined to be pathogenic (PMID: 24715753). This suggests that this residue is clinically significant, and that variants that disrupt this residue are likely to be disease-causing. In summary, the currently available evidence indicates that the variant is pathogenic, but additional data are needed to prove that conclusively. Therefore, this variant has been classified as Likely Pathogenic.

Literature cited by the submitters: PubMed 32901921 (cited by Natera, Inc. and Labcorp Genetics (formerly Invitae), Labcorp); PubMed 24715753 (cited by Labcorp Genetics (formerly Invitae), Labcorp).

NM_201253.3(CRB1):c.4209G>T (p.Glu1403Asp)

Gene: CRB1 (crumbs cell polarity complex component 1; plus strand). Cytogenetic location: 1q31.3.
Variant type: single nucleotide variant.
Coding change: c.4209G>T on transcript NM_201253.3 (MANE Select); coding-DNA position 4209, G replaced by T.
Protein change: p.Glu1403Asp; replaces glutamic acid 1403 with aspartic acid.
Molecular consequence: missense variant. On other transcripts: non-coding transcript variant (2).
Genome position (GRCh38, 1-based): chr1:197,477,867, G>T. VCF-style: chr1-197477867-G-T. GRCh37 (hg19) VCF-style: chr1-197446997-G-T.
Other names: c.4209G>T (NM_201253.2); c.3873G>T, p.Glu1291Asp (NM_001193640.2); c.4137G>T, p.Glu1379Asp (NM_001257965.2); c.2601G>T, p.Glu867Asp (NM_001257966.2); short protein forms E867D, E1291D, E1379D, E1403D.
Identifiers: ClinVar variation 1472000 (VCV001472000.7), dbSNP rs1490587812, ClinGen allele CA344036102.